The following is an entry in ClinVar:

NM_003764.4(STX11):c.632A>C (p.His211Pro)

Gene: STX11 (syntaxin 11; plus strand). Cytogenetic location: 6q24.2.
Variant type: single nucleotide variant.
Coding change: c.632A>C on transcript NM_003764.4 (MANE Select); coding-DNA position 632, A replaced by C.
Protein change: p.His211Pro; replaces histidine 211 with proline.
Molecular consequence: missense variant.
Genome position (GRCh38, 1-based): chr6:144,187,259, A>C. VCF-style: chr6-144187259-A-C. GRCh37 (hg19) VCF-style: chr6-144508396-A-C.
Other names: c.632A>C (NM_003764.3); short protein forms H211P.
Identifiers: ClinVar variation 1478443 (VCV001478443.4), dbSNP rs540065111, ClinGen allele CA4031751.

ClinVar aggregate classification (germline): Uncertain significance. Review status: criteria provided, multiple submitters, no conflicts (2 of 4 stars). 2 submissions from 2 submitters: Uncertain significance (2). Last evaluated 2022-02-24.

Conditions:
Inborn genetic diseases. Identifiers: MedGen C0950123, MeSH D030342.
Familial hemophagocytic lymphohistiocytosis 4 (FHL4). Also called: STX11-Related Familial Hemophagocytic Lymphohistiocytosis (STX11-fHLH). Identifiers: Orphanet 540, MedGen C1863728, MONDO:0011336, OMIM 603552.

Allele frequency attached by ClinVar (database versions not stated): gnomAD exomes 0.00001; ExAC 0.00002; gnomAD 0.00010 and 0.00011; TOPMed 0.00012; 1000 Genomes Project 30x 0.00016; 1000 Genomes Project 0.00020.
gnomAD v4.1: 28 of 1,613,668 alleles (0.0017%); highest among the groups gnomAD compares: African/African-American, 0.029%; no homozygotes.

Submissions (2):

Labcorp Genetics (formerly Invitae), Labcorp
Classification: Uncertain significance for Familial hemophagocytic lymphohistiocytosis 4. Last evaluated: 2022-02-24. Review status: criteria provided, single submitter. Criteria: Invitae Variant Classification Sherloc (09022015). Collection method: clinical testing. Allele origin: germline.
Comment: This sequence change replaces histidine, which is basic and polar, with proline, which is neutral and non-polar, at codon 211 of the STX11 protein (p.His211Pro). This variant is present in population databases (rs540065111, gnomAD 0.01%). This variant has not been reported in the literature in individuals affected with STX11-related conditions. Algorithms developed to predict the effect of missense changes on protein structure and function are either unavailable or do not agree on the potential impact of this missense change (SIFT: "Deleterious"; PolyPhen-2: "Probably Damaging"; Align-GVGD: "Class C0"). In summary, the available evidence is currently insufficient to determine the role of this variant in disease. Therefore, it has been classified as a Variant of Uncertain Significance.

Ambry Genetics
Classification: Uncertain significance for Inborn genetic diseases. Last evaluated: 2021-09-01. Review status: criteria provided, single submitter. Criteria: Ambry Variant Classification Scheme 2023. Collection method: clinical testing. Allele origin: germline.